The following is an entry in ClinVar:

ClinVar aggregate classification (germline): Uncertain significance. Review status: criteria provided, multiple submitters, no conflicts (2 of 4 stars). 2 submissions from 2 submitters: Uncertain significance (2). Last evaluated 2025-09-30.

Conditions:
RAI1-related disorder. Also called: RAI1-related condition.

Submissions (2):

PreventionGenetics, part of Exact Sciences
Classification: Uncertain significance for RAI1-related condition. Last evaluated: 2025-09-30. Review status: criteria provided, single submitter. Criteria: ACMG Guidelines, 2015. Collection method: clinical testing. Allele origin: germline.
Comment: The RAI1 c.1369G>C variant is predicted to result in the amino acid substitution p.Ala457Pro. To our knowledge, this variant has not been reported in the literature or in a large population database (gnomAD), indicating this variant is rare. At this time, the clinical significance of this variant is uncertain due to the absence of conclusive functional and genetic evidence.

Labcorp Genetics (formerly Invitae), Labcorp
Classification: Uncertain significance. Last evaluated: 2025-03-23. Review status: criteria provided, single submitter. Criteria: Invitae Variant Classification Sherloc (09022015). Collection method: clinical testing. Allele origin: germline.
Comment: This sequence change replaces alanine, which is neutral and non-polar, with proline, which is neutral and non-polar, at codon 457 of the RAI1 protein (p.Ala457Pro). This variant is not present in population databases (gnomAD no frequency). This variant has not been reported in the literature in individuals affected with RAI1-related conditions. Invitae Evidence Modeling of protein sequence and biophysical properties (such as structural, functional, and spatial information, amino acid conservation, physicochemical variation, residue mobility, and thermodynamic stability) indicates that this missense variant is not expected to disrupt RAI1 protein function with a negative predictive value of 80%. In summary, the available evidence is currently insufficient to determine the role of this variant in disease. Therefore, it has been classified as a Variant of Uncertain Significance.

NM_030665.4(RAI1):c.1369G>C (p.Ala457Pro)

Gene: RAI1 (retinoic acid induced 1; plus strand). Cytogenetic location: 17p11.2.
Variant type: single nucleotide variant.
Coding change: c.1369G>C on transcript NM_030665.4 (MANE Select); coding-DNA position 1369, G replaced by C.
Protein change: p.Ala457Pro; replaces alanine 457 with proline.
Molecular consequence: missense variant.
Genome position (GRCh38, 1-based): chr17:17,794,317, G>C. VCF-style: chr17-17794317-G-C. GRCh37 (hg19) VCF-style: chr17-17697631-G-C.
Other names: c.1369G>C (NM_030665.3); short protein forms A457P.
Identifiers: ClinVar variation 4808831 (VCV004808831.2).
Genomic context (GRCh38, chr17:17,794,317, plus strand): 5'-GCGCTGACCTCACAGGTGGAGAACATCTCCAACACCGTCCAGCAGCTGCTGCTCTCCAAG[G>C]CTGCTGTGCCGCAGAAGAAAGGTGTCAAGAACCTCGTGTCCAGGACCCCAGAGCAGCATA-3'
Protein context (NP_109590.3, residues 447-467): NTVQQLLLSK[Ala457Pro]AVPQKKGVKN